The following is an entry in ClinVar:

NM_001267550.2(TTN):c.80359G>A (p.Val26787Ile)

Genes: TTN (titin; minus strand), TTN-AS1 (TTN antisense RNA 1; plus strand). Cytogenetic location: 2q31.2.
Variant type: single nucleotide variant.
Coding change: c.80359G>A on transcript NM_001267550.2 (MANE Select); coding-DNA position 80359, G replaced by A.
Protein change: p.Val26787Ile; replaces valine 26787 with isoleucine.
Molecular consequence: missense variant.
Genome position (GRCh38, 1-based): chr2:178,565,773, C>T on the plus strand (G>A on the coding strand, the complement: TTN is on the minus strand). VCF-style: chr2-178565773-C-T. GRCh37 (hg19) VCF-style: chr2-179430500-C-T.
Other names: c.75436G>A, p.Val25146Ile (NM_001256850.1); c.53164G>A, p.Val17722Ile (NM_003319.4); c.72655G>A, p.Val24219Ile (NM_133378.4); c.53539G>A, p.Val17847Ile (NM_133432.3); c.53740G>A, p.Val17914Ile (NM_133437.4); short protein forms V17722I, V17847I, V17914I, V24219I, V25146I, V26787I.
Identifiers: ClinVar variation 4281341 (VCV004281341.7).

ClinVar aggregate classification (germline): Uncertain significance (1 of 4 stars; one submission).

gnomAD v4.1: 1 of 1,613,598 alleles (0.000062%); no homozygotes.

Submission:

CeGaT Center for Human Genetics Tuebingen
Classification: Uncertain significance. Last evaluated: 2025-09-01. Review status: criteria provided, single submitter. Criteria: CeGaT Center For Human Genetics Tuebingen Variant Classification Criteria Version 2. Collection method: clinical testing. Allele origin: germline. Affected: yes. Observed: 1 variant allele.
Comment: TTN: PM2